The following is an entry in ClinVar:

ClinVar aggregate classification (germline): Benign (1 of 4 stars; one submission).

Conditions:
Breast-ovarian cancer, familial, susceptibility to, 2 (BROVCA2). Also called: BRCA2 Hereditary Breast and Ovarian Cancer. Identifiers: Orphanet 145, MedGen C2675520, MONDO:0012933, OMIM 612555. Disease mechanism: loss of function.

gnomAD v4.1: 4 of 830,650 alleles (0.00048%); highest among the groups gnomAD compares: Non-Finnish European, 0.00076%; no homozygotes.

Submission:

Dipartimento Di Medicina Di Precisione, Università Degli Studi Della Campania Luigi Vanvitelli
Classification: Benign for Breast-ovarian cancer, familial, susceptibility to, 2. Last evaluated: 2025-07-17. Review status: criteria provided, single submitter. Criteria: ACMG Guidelines, 2015. Collection method: clinical testing. Allele origin: germline. Affected: yes. Observed: 1 heterozygote.
Comment: The BRCA2 variant c.426-126T>C is a deep intronic change located in intron 4, 126 base pairs upstream of exon 5. In silico analysis using BayesDel and REVEL predicts a benign effect, suggesting that this variant is unlikely to impact protein function. No RNA or functional studies are available to date. Based on current evidence, this variant is considered likely benign according to ACMG/AMP criteria.

Literature cited by the submitters: DOI 10.3390/ijms26135928.

NM_000059.4(BRCA2):c.426-126T>C

Gene: BRCA2 (BRCA2 DNA repair associated; plus strand). Cytogenetic location: 13q13.1.
Variant type: single nucleotide variant.
Coding change: c.426-126T>C on transcript NM_000059.4 (MANE Select); 126 bases into the intron before coding-DNA position 426, T replaced by C.
Molecular consequence: intron variant.
Genome position (GRCh38, 1-based): chr13:32,325,975, T>C. VCF-style: chr13-32325975-T-C. GRCh37 (hg19) VCF-style: chr13-32900112-T-C.
Other names: c.426-126T>C (NM_001432077.1, NM_001406720.1, NM_001406719.1 and 1 more transcripts); c.57-126T>C (NM_001406722.1).
Identifiers: ClinVar variation 4073508 (VCV004073508.1).